The following is an entry in ClinVar:

NM_152618.3(BBS12):c.2T>G (p.Met1Arg)

Gene: BBS12 (Bardet-Biedl syndrome 12; plus strand). Cytogenetic location: 4q27.
Variant type: single nucleotide variant.
Coding change: c.2T>G on transcript NM_152618.3 (MANE Select); coding-DNA position 2, T replaced by G.
Protein change: p.Met1Arg; changes the start codon (methionine 1).
Molecular consequence: missense variant, initiator codon variant.
Genome position (GRCh38, 1-based): chr4:122,741,894, T>G. VCF-style: chr4-122741894-T-G. GRCh37 (hg19) VCF-style: chr4-123663049-T-G.
Other names: c.2T>G, p.Met1Arg (NM_001178007.2); short protein forms M1R.
Identifiers: ClinVar variation 5004488 (VCV005004488.1).

ClinVar aggregate classification (germline): Uncertain significance (1 of 4 stars; one submission).

Conditions:
Bardet-Biedl syndrome 12 (BBS12). Identifiers: Orphanet 110, MedGen C1859570, MONDO:0014440, OMIM 615989.

Submission:

Myriad Genetics, Inc.
Classification: Uncertain significance for Bardet-Biedl syndrome 12. Last evaluated: 2026-02-24. Review status: criteria provided, single submitter. Criteria: Myriad Autosomal Dominant, Autosomal Recessive and X-Linked Classification Criteria (2023). Collection method: clinical testing. Allele origin: unknown.
Comment: NM_152618.2(BBS12):c.2T>G(M1?) is an initiation codon variant classified as a variant of uncertain significance in the context of Bardet-Biedl syndrome, BBS12-related. M1? has not been observed in cases with relevant disease. Relevant functional assessments of this variant are not available in the literature. M1? has not been observed in referenced population frequency databases. In summary, there is insufficient evidence to classify NM_152618.2(BBS12):c.2T>G(M1?) as pathogenic or benign. Please note: this variant was assessed in the context of healthy population screening.